The following is an entry in ClinVar:

NM_000142.5(FGFR3):c.2143A>G (p.Lys715Glu)

Gene: FGFR3 (fibroblast growth factor receptor 3; plus strand). Cytogenetic location: 4p16.3.
Variant type: single nucleotide variant.
Coding change: c.2143A>G on transcript NM_000142.5 (MANE Select); coding-DNA position 2143, A replaced by G.
Protein change: p.Lys715Glu; replaces lysine 715 with glutamic acid.
Molecular consequence: missense variant. On other transcripts: non-coding transcript variant (1).
Genome position (GRCh38, 1-based): chr4:1,806,658, A>G. VCF-style: chr4-1806658-A-G. GRCh37 (hg19) VCF-style: chr4-1808385-A-G.
Other names: c.2149A>G, p.Lys717Glu (NM_001163213.2); c.2146A>G, p.Lys716Glu (NM_001354809.2); c.2075A>G, p.Gln692Arg (NM_001354810.2); c.1807A>G, p.Lys603Glu (NM_022965.4); short protein forms K603E, K715E, K716E, K717E, Q692R.
Identifiers: ClinVar variation 1806516 (VCV001806516.1), dbSNP rs2108812456, ClinGen allele CA355984222.
Genomic context (GRCh38, chr4:1,806,658, plus strand): 5'-TACCCCGGCATCCCTGTGGAGGAGCTCTTCAAGCTGCTGAAGGAGGGCCACCGCATGGAC[A>G]AGCCCGCCAACTGCACACACGACCTGTGAGTGGCATCCCTGGCCCTCCACTGGGTCCTCA-3'
Protein context (NP_000133.1, residues 705-725): KLLKEGHRMD[Lys715Glu]PANCTHDLYM

ClinVar aggregate classification (germline): Uncertain significance (1 of 4 stars; one submission).

Allele frequency attached by ClinVar (database versions not stated): gnomAD exomes below 0.00001.
gnomAD v4.1: 2 of 1,612,812 alleles (0.00012%); highest among the groups gnomAD compares: Non-Finnish European, 0.00017%; no homozygotes.

Submission:

GeneDx
Classification: Uncertain significance. Last evaluated: 2022-06-22. Review status: criteria provided, single submitter. Criteria: GeneDx Variant Classification Process June 2021. Collection method: clinical testing. Allele origin: germline. Affected: yes.
Comment: Not observed at significant frequency in large population cohorts (gnomAD); In silico analysis supports that this missense variant has a deleterious effect on protein structure/function; Has not been previously published as pathogenic or benign to our knowledge